The following is an entry in ClinVar:

NM_014639.4(SKIC3):c.283G>A (p.Asp95Asn)

Gene: SKIC3 (SKI3 subunit of superkiller complex; minus strand). Cytogenetic location: 5q15.
Variant type: single nucleotide variant.
Coding change: c.283G>A on transcript NM_014639.4 (MANE Select); coding-DNA position 283, G replaced by A.
Protein change: p.Asp95Asn; replaces aspartic acid 95 with asparagine.
Molecular consequence: missense variant.
Genome position (GRCh38, 1-based): chr5:95,541,858, C>T on the plus strand (G>A on the coding strand, the complement: SKIC3 is on the minus strand). VCF-style: chr5-95541858-C-T. GRCh37 (hg19) VCF-style: chr5-94877562-C-T.
Other names: short protein forms D95N.
Identifiers: ClinVar variation 1404026 (VCV001404026.3), dbSNP rs1748080172, ClinGen allele CA360444833.
Genomic context (GRCh38, chr5:95,541,858, plus strand): 5'-CCTCATACATTTCTTACCTCTCATAAAGATCCAGGAGCTTTTGGTAAACACCAGGCAAGT[C>T]ATCCTTAGCATTTATGTGATTATATTTCTCATACAAGTTTGCTAACCCCTAAAAGAAGAA-3'
Protein context (NP_055454.1, residues 85-105): EKYNHINAKD[Asp95Asn]LPGVYQKLLD

ClinVar aggregate classification (germline): Uncertain significance (1 of 4 stars; one submission).

gnomAD v4.1: 4 of 1,613,078 alleles (0.00025%); highest among the groups gnomAD compares: African/African-American, 0.004%; no homozygotes.

Submission:

Labcorp Genetics (formerly Invitae), Labcorp
Classification: Uncertain significance. Last evaluated: 2022-09-01. Review status: criteria provided, single submitter. Criteria: Invitae Variant Classification Sherloc (09022015). Collection method: clinical testing. Allele origin: germline.
Comment: This sequence change replaces aspartic acid, which is acidic and polar, with asparagine, which is neutral and polar, at codon 95 of the TTC37 protein (p.Asp95Asn). This variant is not present in population databases (gnomAD no frequency). This variant has not been reported in the literature in individuals affected with TTC37-related conditions. ClinVar contains an entry for this variant (Variation ID: 1404026). Algorithms developed to predict the effect of missense changes on protein structure and function are either unavailable or do not agree on the potential impact of this missense change (SIFT: "Deleterious"; PolyPhen-2: "Benign"; Align-GVGD: "Class C0"). In summary, the available evidence is currently insufficient to determine the role of this variant in disease. Therefore, it has been classified as a Variant of Uncertain Significance.